The following is an entry in ClinVar:

NM_198525.3(KIF7):c.1750C>T (p.Leu584Phe)

Gene: KIF7 (kinesin family member 7; minus strand). Cytogenetic location: 15q26.1.
Variant type: single nucleotide variant.
Coding change: c.1750C>T on transcript NM_198525.3 (MANE Select); coding-DNA position 1750, C replaced by T.
Protein change: p.Leu584Phe; replaces leucine 584 with phenylalanine.
Molecular consequence: missense variant.
Genome position (GRCh38, 1-based): chr15:89,646,868, G>A on the plus strand (C>T on the coding strand, the complement: KIF7 is on the minus strand). VCF-style: chr15-89646868-G-A. GRCh37 (hg19) VCF-style: chr15-90190099-G-A.
Other names: short protein forms L584F.
Identifiers: ClinVar variation 1993801 (VCV001993801.4), dbSNP rs770372033, ClinGen allele CA7728470.

ClinVar aggregate classification (germline): Uncertain significance (1 of 4 stars; one submission).

Conditions:
Acrocallosal syndrome (ACLS). Also called: Schinzel syndrome 1; Absence of corpus callosum with unusual facial appearance, mental deficiency, duplication of the halluces and polydactyly; HALLUX DUPLICATION, POSTAXIAL POLYDACTYLY, AND ABSENCE OF CORPUS CALLOSUM. Identifiers: Orphanet 36, MedGen C0796147, MONDO:0008708, OMIM 200990.

Allele frequency attached by ClinVar (database versions not stated): ExAC 0.00001.

Submission:

Labcorp Genetics (formerly Invitae), Labcorp
Classification: Uncertain significance for Acrocallosal syndrome. Last evaluated: 2022-07-20. Review status: criteria provided, single submitter. Criteria: Invitae Variant Classification Sherloc (09022015). Collection method: clinical testing. Allele origin: germline.
Comment: Algorithms developed to predict the effect of missense changes on protein structure and function output the following: SIFT: "Tolerated"; PolyPhen-2: "Benign"; Align-GVGD: "Class C0". The phenylalanine amino acid residue is found in multiple mammalian species, which suggests that this missense change does not adversely affect protein function. This variant has not been reported in the literature in individuals affected with KIF7-related conditions. This variant is present in population databases (rs770372033, gnomAD 0.0009%). This sequence change replaces leucine, which is neutral and non-polar, with phenylalanine, which is neutral and non-polar, at codon 584 of the KIF7 protein (p.Leu584Phe). In summary, the available evidence is currently insufficient to determine the role of this variant in disease. Therefore, it has been classified as a Variant of Uncertain Significance.